The following is an entry in ClinVar:

NM_002641.4(PIGA):c.1355A>T (p.Asp452Val)

Gene: PIGA (phosphatidylinositol glycan anchor biosynthesis class A; minus strand). Cytogenetic location: Xp22.2.
Variant type: single nucleotide variant.
Coding change: c.1355A>T on transcript NM_002641.4 (MANE Select); coding-DNA position 1355, A replaced by T.
Protein change: p.Asp452Val; replaces aspartic acid 452 with valine.
Molecular consequence: missense variant. On other transcripts: non-coding transcript variant (2).
Genome position (GRCh38, 1-based): chrX:15,321,606, T>A on the plus strand (A>T on the coding strand, the complement: PIGA is on the minus strand). VCF-style: chrX-15321606-T-A. GRCh37 (hg19) VCF-style: chrX-15339728-T-A.
Other names: c.653A>T, p.Asp218Val (NM_020473.3); short protein forms D218V, D452V.
Identifiers: ClinVar variation 973228 (VCV000973228.5), dbSNP rs1921817445, ClinGen allele CA412334020.
Genomic context (GRCh38, chrX:15,321,606, plus strand): 5'-TTACTGTGAGAATAGTTATTAGTCCAGGCACCCCGTGGCCCAGTGGCATCTATTGCAACA[T>A]CAATGATAGAATCTGGAGTCATCCATCTCAAGAAAATGAGGAAGAGGAAGTTGAAAACTG-3'
Protein context (NP_002632.1, residues 442-462): LRWMTPDSII[Asp452Val]VAIDATGPRG

ClinVar aggregate classification (germline): Likely pathogenic (1 of 4 stars; one submission).

Conditions:
Paroxysmal nocturnal hemoglobinuria 1 (PNH1). Identifiers: Orphanet 447, MedGen C3806670, MONDO:0010438, OMIM 300818.
Multiple congenital anomalies-hypotonia-seizures syndrome 2 (MCAHS2). Also called: GLYCOSYLPHOSPHATIDYLINOSITOL BIOSYNTHESIS DEFECT 4; EPILEPTIC ENCEPHALOPATHY, EARLY INFANTILE, 20. Identifiers: Orphanet 300496, MedGen C3275508, MONDO:0010466, OMIM 300868.

Submission:

Institute for Genomic Medicine (IGM) Clinical Laboratory, Nationwide Children's Hospital
Classification: Likely pathogenic for Multiple congenital anomalies-hypotonia-seizures syndrome 2; Paroxysmal nocturnal hemoglobinuria 1. Last evaluated: 2018-04-11. Review status: criteria provided, single submitter. Criteria: ACMG Guidelines, 2015. Collection method: clinical testing. Allele origin: germline. Affected: yes.
Comment: [ACMG/AMP: PS2, PM2, PP3] This alteration is de novo in origin as it was not detected in the submitted parental specimens (identity confirmed) [PS2], is absent from or rarely observed in large-scale population databases [PM2], is predicted to be damaging by multiple functional prediction tools [PP3].